The following is an entry in ClinVar:

NM_001352027.3(PHF21A):c.1852A>G (p.Lys618Glu)

Gene: PHF21A (PHD finger protein 21A; minus strand). Cytogenetic location: 11p11.2.
Variant type: single nucleotide variant.
Coding change: c.1852A>G on transcript NM_001352027.3 (MANE Select); coding-DNA position 1852, A replaced by G.
Protein change: p.Lys618Glu; replaces lysine 618 with glutamic acid.
Molecular consequence: missense variant. On other transcripts: non-coding transcript variant (2).
Genome position (GRCh38, 1-based): chr11:45,934,162, T>C on the plus strand (A>G on the coding strand, the complement: PHF21A is on the minus strand). VCF-style: chr11-45934162-T-C. GRCh37 (hg19) VCF-style: chr11-45955713-T-C.
Other names: c.1849A>G, p.Lys617Glu (NM_001101802.3); c.1852A>G, p.Lys618Glu (NM_001352025.3, NM_001352026.3); c.1711A>G, p.Lys571Glu (NM_001352028.1, NM_001352029.1, NM_016621.5); c.1708A>G, p.Lys570Glu (NM_001352030.3, NM_001352031.3, NM_001352032.3); short protein forms K570E, K571E, K617E, K618E.
Identifiers: ClinVar variation 2582071 (VCV002582071.1), dbSNP rs2495460877, ClinGen allele CA380253446.

ClinVar aggregate classification (germline): Uncertain significance (1 of 4 stars; one submission).

Submission:

GeneDx
Classification: Uncertain significance. Last evaluated: 2023-03-28. Review status: criteria provided, single submitter. Criteria: GeneDx Variant Classification Process June 2021. Collection method: clinical testing. Allele origin: germline. Affected: yes.
Comment: Not observed at significant frequency in large population cohorts (gnomAD); In silico analysis supports that this missense variant does not alter protein structure/function; Has not been previously published as pathogenic or benign to our knowledge